The following is an entry in ClinVar:

ClinVar aggregate classification (germline): Uncertain significance. Review status: criteria provided, multiple submitters, no conflicts (2 of 4 stars). 4 submissions from 4 submitters: Uncertain significance (4). Last evaluated 2026-05-14.

Conditions:
Inborn genetic diseases. Identifiers: MedGen C0950123, MeSH D030342.
RLBP1-related disorder. Also called: RLBP1-related condition; RLBP1-related disorders. Identifiers: MedGen CN239413.

Allele frequency attached by ClinVar (database versions not stated): TOPMed 0.00031; ESP Exome Variant Server 0.00015; gnomAD 0.00020 and 0.00023.
gnomAD v4.1: 80 of 1,614,094 alleles (0.005%); highest among the groups gnomAD compares: African/African-American, 0.075%; no homozygotes.

Submissions (4):

PreventionGenetics, part of Exact Sciences
Classification: Uncertain significance for RLBP1-related condition. Last evaluated: 2026-05-14. Review status: criteria provided, single submitter. Criteria: ACMG Guidelines, 2015. Collection method: clinical testing. Allele origin: germline.
Comment: The RLBP1 c.487A>G variant is predicted to result in the amino acid substitution p.Ile163Val. To our knowledge, this variant has not been reported in the literature. This variant is present in 0.076% of alleles in individuals of African descent in gnomAD, which may be too common to be an undocumented cause of disease. Although we suspect that this variant may be benign, at this time, the clinical significance of this variant is uncertain due to the absence of conclusive functional and genetic evidence.

Labcorp Genetics (formerly Invitae), Labcorp
Classification: Uncertain significance. Last evaluated: 2025-01-15. Review status: criteria provided, single submitter. Criteria: Invitae Variant Classification Sherloc (09022015). Collection method: clinical testing. Allele origin: germline.
Comment: This sequence change replaces isoleucine, which is neutral and non-polar, with valine, which is neutral and non-polar, at codon 163 of the RLBP1 protein (p.Ile163Val). This variant is present in population databases (rs201212675, gnomAD 0.08%). This variant has not been reported in the literature in individuals affected with RLBP1-related conditions. ClinVar contains an entry for this variant (Variation ID: 943173). Invitae Evidence Modeling of protein sequence and biophysical properties (such as structural, functional, and spatial information, amino acid conservation, physicochemical variation, residue mobility, and thermodynamic stability) has been performed for this missense variant. However, the output from this modeling did not meet the statistical confidence thresholds required to predict the impact of this variant on RLBP1 protein function. In summary, the available evidence is currently insufficient to determine the role of this variant in disease. Therefore, it has been classified as a Variant of Uncertain Significance.

Blueprint Genetics
Classification: Uncertain significance. Last evaluated: 2024-05-14. Review status: criteria provided, single submitter. Criteria: ACMG Guidelines, 2015. Collection method: clinical testing. Allele origin: germline.

Ambry Genetics
Classification: Uncertain significance for Inborn genetic diseases. Last evaluated: 2021-08-12. Review status: criteria provided, single submitter. Criteria: Ambry Variant Classification Scheme 2023. Collection method: clinical testing. Allele origin: germline.

NM_000326.5(RLBP1):c.487A>G (p.Ile163Val)

Gene: RLBP1 (retinaldehyde binding protein 1; minus strand). Cytogenetic location: 15q26.1.
Variant type: single nucleotide variant.
Coding change: c.487A>G on transcript NM_000326.5 (MANE Select); coding-DNA position 487, A replaced by G.
Protein change: p.Ile163Val; replaces isoleucine 163 with valine.
Molecular consequence: missense variant.
Genome position (GRCh38, 1-based): chr15:89,215,098, T>C on the plus strand (A>G on the coding strand, the complement: RLBP1 is on the minus strand). VCF-style: chr15-89215098-T-C. GRCh37 (hg19) VCF-style: chr15-89758329-T-C.
Other names: short protein forms I163V.
Identifiers: ClinVar variation 943173 (VCV000943173.8), dbSNP rs201212675, ClinGen allele CA7722271.
Genomic context (GRCh38, chr15:89,215,098, plus strand): 5'-AGCCAGGCGAGCCCCCACTAACCTCATCAAAGGTGATTTCTTGACTTTGCCAGTTCTCAA[T>C]GTTGAAGAGCATGACCACTCGGCCATACTTGTCCCGACTAGAGAGGACACCAGGGTAGCC-3'
Protein context (NP_000317.1, residues 153-173): KYGRVVMLFN[Ile163Val]ENWQSQEITF